The following is an entry in ClinVar:

NM_000158.4(GBE1):c.556-22T>C

Gene: GBE1 (1,4-alpha-glucan branching enzyme 1; minus strand). Cytogenetic location: 3p12.2.
Variant type: single nucleotide variant.
Coding change: c.556-22T>C on transcript NM_000158.4 (MANE Select); 22 bases into the intron before coding-DNA position 556, T replaced by C.
Molecular consequence: intron variant.
Genome position (GRCh38, 1-based): chr3:81,649,013, A>G on the plus strand (T>C on the coding strand, the complement: GBE1 is on the minus strand). VCF-style: chr3-81649013-A-G. GRCh37 (hg19) VCF-style: chr3-81698164-A-G.
Other names: p.?.
Identifiers: ClinVar variation 4684711 (VCV004684711.1).

ClinVar aggregate classification (germline): Likely benign (1 of 4 stars; one submission).

gnomAD v4.1: 129 of 1,516,978 alleles (0.0085%); highest among the groups gnomAD compares: Admixed American, 0.034%; no homozygotes.

Submission:

Mayo Clinic Laboratories, Mayo Clinic
Classification: Likely benign. Last evaluated: 2025-01-13. Review status: criteria provided, single submitter. Criteria: ACMG Guidelines, 2015. Collection method: clinical testing. Allele origin: germline. Observed: 1 variant allele.
Comment: BP4, BP7